The following is an entry in ClinVar:

NM_020987.5(ANK3):c.3643C>G (p.Pro1215Ala)

Gene: ANK3 (ankyrin 3; minus strand). Cytogenetic location: 10q21.2.
Variant type: single nucleotide variant.
Coding change: c.3643C>G on transcript NM_020987.5 (MANE Select); coding-DNA position 3643, C replaced by G.
Protein change: p.Pro1215Ala; replaces proline 1215 with alanine.
Molecular consequence: missense variant.
Genome position (GRCh38, 1-based): chr10:60,086,782, G>C on the plus strand (C>G on the coding strand, the complement: ANK3 is on the minus strand). VCF-style: chr10-60086782-G-C. GRCh37 (hg19) VCF-style: chr10-61846540-G-C.
Other names: c.1045C>G, p.Pro349Ala (NM_001149.4); c.3625C>G, p.Pro1209Ala (NM_001204403.2); c.3646C>G, p.Pro1216Ala (NM_001204404.2); c.3643C>G, p.Pro1215Ala (NM_001320874.2); short protein forms P1209A, P1215A, P1216A, P349A.
Identifiers: ClinVar variation 3600830 (VCV003600830.1).
Genomic context (GRCh38, chr10:60,086,782, plus strand): 5'-TGTATCCATTGGATACACCTTCTCCTGAGGGCGGGGGCACCGGAATGGTCATTGTGATTG[G>C]TTTATGGAATTTCCGTCTTCTTGGTTCCACAGTGACAATTGGGCTAAAAGTTGCTTTGTT-3'
Protein context (NP_066267.2, residues 1205-1225): VEPRRRKFHK[Pro1215Ala]ITMTIPVPPP

ClinVar aggregate classification (germline): Uncertain significance (1 of 4 stars; one submission).

gnomAD v4.1: 1 of 1,614,024 alleles (0.000062%); highest among the groups gnomAD compares: Non-Finnish European, 0.000085%; no homozygotes.

Submission:

GeneDx
Classification: Uncertain significance. Last evaluated: 2024-07-25. Review status: criteria provided, single submitter. Criteria: GeneDx Variant Classification Process June 2021. Collection method: clinical testing. Allele origin: germline. Affected: yes.
Comment: Not observed at significant frequency in large population cohorts (gnomAD); In silico analysis supports that this missense variant has a deleterious effect on protein structure/function; Has not been previously published as pathogenic or benign to our knowledge